The following is an entry in ClinVar:

NM_000051.4(ATM):c.7374T>A (p.Asp2458Glu)

Genes: C11orf65 (chromosome 11 open reading frame 65; minus strand), ATM (ATM serine/threonine kinase; plus strand). Cytogenetic location: 11q22.3.
Variant type: single nucleotide variant.
Coding change: c.7374T>A on transcript NM_000051.4 (MANE Select); coding-DNA position 7374, T replaced by A.
Protein change: p.Asp2458Glu; replaces aspartic acid 2458 with glutamic acid.
Molecular consequence: missense variant. On other transcripts: intron variant (2).
Genome position (GRCh38, 1-based): chr11:108,330,280, T>A. VCF-style: chr11-108330280-T-A. GRCh37 (hg19) VCF-style: chr11-108201007-T-A.
Other names: c.7374T>A, p.Asp2458Glu (NM_001351834.2); c.641-21209A>T (NM_001330368.2); c.*38+4940A>T (NM_001351110.2); short protein forms D2458E.
Identifiers: ClinVar variation 2862401 (VCV002862401.3), dbSNP rs2136456046, ClinGen allele CA382560005.

ClinVar aggregate classification (germline): Uncertain significance (1 of 4 stars; one submission).

Conditions:
Ataxia-telangiectasia syndrome (AT). Also called: ATAXIA-TELANGIECTASIA, COMPLEMENTATION GROUP A; ATAXIA-TELANGIECTASIA, FRESNO VARIANT; Ataxia-telangiectasia; Ataxia-telangiectasia, complementation group E; LOUIS-BAR SYNDROME; Cerebello-oculocutaneous telangiectasia. Identifiers: Orphanet 100, MedGen C0004135, MONDO:0008840, OMIM 208900.

Submission:

Labcorp Genetics (formerly Invitae), Labcorp
Classification: Uncertain significance for Ataxia-telangiectasia syndrome. Last evaluated: 2023-05-07. Review status: criteria provided, single submitter. Criteria: Invitae Variant Classification Sherloc (09022015). Collection method: clinical testing. Allele origin: germline.
Comment: In summary, the available evidence is currently insufficient to determine the role of this variant in disease. Therefore, it has been classified as a Variant of Uncertain Significance. An algorithm developed to predict the effect of missense changes on protein structure and function (PolyPhen-2) suggests that this variant is likely to be disruptive. This variant has not been reported in the literature in individuals affected with ATM-related conditions. This variant is not present in population databases (gnomAD no frequency). This sequence change replaces aspartic acid, which is acidic and polar, with glutamic acid, which is acidic and polar, at codon 2458 of the ATM protein (p.Asp2458Glu).